The following is an entry in ClinVar:

NM_015374.3(SUN2):c.1184G>A (p.Trp395Ter)

Genes: GTPBP1 (GTP binding protein 1; plus strand), SUN2 (Sad1 and UNC84 domain containing 2; minus strand). Cytogenetic location: 22q13.1.
Variant type: single nucleotide variant.
Coding change: c.1184G>A on transcript NM_015374.3 (MANE Select); coding-DNA position 1184, G replaced by A.
Protein change: p.Trp395Ter; replaces tryptophan 395 with a stop codon.
Molecular consequence: nonsense. On other transcripts: intron variant (3).
Genome position (GRCh38, 1-based): chr22:38,741,013, C>T on the plus strand (G>A on the coding strand, the complement: SUN2 is on the minus strand). VCF-style: chr22-38741013-C-T. GRCh37 (hg19) VCF-style: chr22-39137018-C-T.
Other names: c.1247G>A, p.Trp416Ter (NM_001199579.2, NM_001394428.1); c.1184G>A, p.Trp395Ter (NM_001199580.2, NM_001394431.1, NM_001394432.1 and 5 more transcripts); c.1277G>A, p.Trp426Ter (NM_001394427.1); c.1229G>A, p.Trp410Ter (NM_001394429.1, NM_001394430.1); c.1094G>A, p.Trp365Ter (NM_001394438.1); c.1046G>A, p.Trp349Ter (NM_001394439.1, NM_001394440.1, NM_001394441.1); c.692G>A, p.Trp231Ter (NM_001394443.1); c.615-581G>A (NM_001394444.1, NM_001394445.1); and 1 more; short protein forms W231*, W416*, W349*, W365*, W426*, W410*, W395*.
Identifiers: ClinVar variation 2912023 (VCV002912023.3), dbSNP rs1187519280, ClinGen allele CA411584865.

ClinVar aggregate classification (germline): Uncertain significance (1 of 4 stars; one submission).

Conditions:
Emery-Dreifuss muscular dystrophy (EDMD). Also called: Scapuloperoneal syndrome, X-linked (formerly); Humeroperoneal neuromuscular disease, (formerly). Identifiers: Orphanet 261, MedGen C0410189, MONDO:0016830.

Submission:

Labcorp Genetics (formerly Invitae), Labcorp
Classification: Uncertain significance for Emery-Dreifuss muscular dystrophy. Last evaluated: 2023-09-22. Review status: criteria provided, single submitter. Criteria: Invitae Variant Classification Sherloc (09022015). Collection method: clinical testing. Allele origin: germline.
Comment: In summary, the available evidence is currently insufficient to determine the role of this variant in disease. Therefore, it has been classified as a Variant of Uncertain Significance. This variant has not been reported in the literature in individuals affected with SUN2-related conditions. This variant is not present in population databases (gnomAD no frequency). This sequence change creates a premature translational stop signal (p.Trp395*) in the SUN2 gene. It is expected to result in an absent or disrupted protein product. However, the current clinical and genetic evidence is not sufficient to establish whether loss-of-function variants in SUN2 cause disease.